The following is an entry in ClinVar:

ClinVar aggregate classification (germline): Uncertain significance. Review status: criteria provided, multiple submitters, no conflicts (2 of 4 stars). 2 submissions from 2 submitters: Uncertain significance (2). Last evaluated 2026-03-10.

Allele frequency attached by ClinVar (database versions not stated): 1000 Genomes Project 0.00020; ExAC 0.00007; gnomAD exomes 0.00004 and 0.00005; gnomAD 0.00005; 1000 Genomes Project 30x 0.00031; TOPMed 0.00006.

Submissions (2):

GeneDx
Classification: Uncertain significance. Last evaluated: 2026-03-10. Review status: criteria provided, single submitter. Criteria: GeneDx Variant Classification Process June 2021. Collection method: clinical testing. Allele origin: germline.
Comment: In silico analysis supports that this missense variant has a deleterious effect on protein structure/function; Has not been previously published as pathogenic or benign to our knowledge

Labcorp Genetics (formerly Invitae), Labcorp
Classification: Uncertain significance. Last evaluated: 2022-05-25. Review status: criteria provided, single submitter. Criteria: Invitae Variant Classification Sherloc (09022015). Collection method: clinical testing. Allele origin: germline.
Comment: In summary, the available evidence is currently insufficient to determine the role of this variant in disease. Therefore, it has been classified as a Variant of Uncertain Significance. Algorithms developed to predict the effect of missense changes on protein structure and function are either unavailable or do not agree on the potential impact of this missense change (SIFT: "Deleterious"; PolyPhen-2: "Probably Damaging"; Align-GVGD: "Class C0"). This variant has not been reported in the literature in individuals affected with TRIOBP-related conditions. This variant is present in population databases (rs201211654, gnomAD 0.02%). This sequence change replaces arginine, which is basic and polar, with histidine, which is basic and polar, at codon 1968 of the TRIOBP protein (p.Arg1968His).

NM_001039141.3(TRIOBP):c.5903G>A (p.Arg1968His)

Gene: TRIOBP (TRIO and F-actin binding protein; plus strand). Cytogenetic location: 22q13.1.
Variant type: single nucleotide variant.
Coding change: c.5903G>A on transcript NM_001039141.3 (MANE Select); coding-DNA position 5903, G replaced by A.
Protein change: p.Arg1968His; replaces arginine 1968 with histidine.
Molecular consequence: missense variant.
Genome position (GRCh38, 1-based): chr22:37,757,828, G>A. VCF-style: chr22-37757828-G-A. GRCh37 (hg19) VCF-style: chr22-38153835-G-A.
Other names: c.764G>A, p.Arg255His (NM_007032.5, NM_138632.2); c.5903G>A (NM_001039141.2); short protein forms R255H, R1968H.
Identifiers: ClinVar variation 1429234 (VCV001429234.10), dbSNP rs201211654, ClinGen allele CA10224846.
Genomic context (GRCh38, chr22:37,757,828, plus strand): 5'-TCTCGCCGCTGACCCAGGCTTCCCCGCAGCGGGCCCGCACCCCAGCCCGCACTCCTGACC[G>A]CCTGGCCAAGCAGGAGGAGCTGGAGCGGGACCTGGCCCAGCGCTCCGAGGAGCGGCGCAA-3'
Protein context (NP_001034230.1, residues 1958-1978): RARTPARTPD[Arg1968His]LAKQEELERD